The following is an entry in ClinVar:

NM_000038.6(APC):c.5132del (p.Pro1711fs)

Gene: APC (APC regulator of Wnt signaling pathway; plus strand). Cytogenetic location: 5q22.2.
Variant type: Deletion.
Coding change: c.5132del on transcript NM_000038.6 (MANE Select); coding-DNA position 5132, one base deleted (C; older notation c.5132delC).
Protein change: p.Pro1711fs; shifts the reading frame from proline 1711.
Molecular consequence: frameshift variant.
Genome position (GRCh38, 1-based): chr5:112,840,726, C deleted; the last of 2 consecutive C bases (chr5:112,840,725-112,840,726); deleting either gives the same sequence. VCF-style (leftmost placement, unchanged base first): chr5-112840724-AC-A. GRCh37 (hg19) VCF-style: chr5-112176421-AC-A.
Other names: c.5132del, p.Pro1711fs (NM_001127510.3, NM_001354895.2); c.5078del, p.Pro1693fs (NM_001127511.3); c.5186del, p.Pro1729fs (NM_001354896.2); c.5162del, p.Pro1721fs (NM_001354897.2); c.5057del, p.Pro1686fs (NM_001354898.2); c.5048del, p.Pro1683fs (NM_001354899.2); c.5009del, p.Pro1670fs (NM_001354900.2); c.4955del, p.Pro1652fs (NM_001354901.2); and 16 more; short protein forms P1551fs, P1721fs, P1652fs, P1683fs, P1686fs, P1585fs, P1620fs, P1670fs.
Identifiers: ClinVar variation 1745561 (VCV001745561.2), dbSNP rs2533623260, ClinGen allele CA2580072617.
Genomic context (GRCh38, chr5:112,840,724, plus strand): 5'-TCCTACAGAAGGCAGAAGTACAGATGAGGCTCAAGGAGGAAAAACCTCATCTGTAACCAT[AC>A]CTGAATTGGATGACAATAAAGCAGAGGAAGGTGATATTCTTGCAGAATGCATTAATTCTG-3'

ClinVar aggregate classification (germline): Pathogenic (1 of 4 stars; one submission).

Conditions:
Hereditary cancer-predisposing syndrome. Also called: Hereditary Cancer Syndrome; Neoplastic Syndromes, Hereditary; Tumor predisposition; Hereditary neoplastic syndrome. Identifiers: Orphanet 140162, MedGen C0027672, MeSH D009386, MONDO:0015356.

Submission:

Ambry Genetics
Classification: Pathogenic for Hereditary cancer-predisposing syndrome. Last evaluated: 2019-10-11. Review status: criteria provided, single submitter. Criteria: Ambry Variant Classification Scheme 2023. Collection method: clinical testing. Allele origin: germline.
Comment: The c.5132delC pathogenic mutation, located in coding exon 15 of the APC gene, results from a deletion of one nucleotide at nucleotide position 5132, causing a translational frameshift with a predicted alternate stop codon (p.P1711Lfs*33). This alteration is expected to result in loss of function by premature protein truncation. As such, this alteration is interpreted as a disease-causing mutation.